The following is an entry in ClinVar:

NM_001142800.2(EYS):c.3968T>G (p.Leu1323Ter)

Gene: EYS (EGF-like photoreceptor maintenance factor; minus strand). Cytogenetic location: 6q12.
Variant type: single nucleotide variant.
Coding change: c.3968T>G on transcript NM_001142800.2 (MANE Select); coding-DNA position 3968, T replaced by G.
Protein change: p.Leu1323Ter; replaces leucine 1323 with a stop codon.
Molecular consequence: nonsense.
Genome position (GRCh38, 1-based): chr6:64,591,899, A>C on the plus strand (T>G on the coding strand, the complement: EYS is on the minus strand). VCF-style: chr6-64591899-A-C. GRCh37 (hg19) VCF-style: chr6-65301792-A-C.
Other names: c.3968T>G, p.Leu1323Ter (NM_001292009.2); short protein forms L1323*.
Identifiers: ClinVar variation 2133465 (VCV002133465.4), dbSNP rs1470527861, ClinGen allele CA364784322.

ClinVar aggregate classification (germline): Pathogenic (1 of 4 stars; one submission).

gnomAD v4.1: 1 of 1,550,400 alleles (0.000064%); highest among the groups gnomAD compares: South Asian, 0.0012%; no homozygotes.

Submission:

Labcorp Genetics (formerly Invitae), Labcorp
Classification: Pathogenic. Last evaluated: 2022-05-04. Review status: criteria provided, single submitter. Criteria: Invitae Variant Classification Sherloc (09022015). Collection method: clinical testing. Allele origin: germline.
Comment: This sequence change creates a premature translational stop signal (p.Leu1323*) in the EYS gene. It is expected to result in an absent or disrupted protein product. Loss-of-function variants in EYS are known to be pathogenic (PMID: 18836446, 20333770). For these reasons, this variant has been classified as Pathogenic. This variant has not been reported in the literature in individuals affected with EYS-related conditions. This variant is present in population databases (no rsID available, gnomAD 0.004%).

Literature cited by the submitters: PubMed 18836446; PubMed 20333770.